The following is an entry in ClinVar:

ClinVar aggregate classification (germline): Uncertain significance (1 of 4 stars; one submission).

gnomAD v4.1: 1 of 1,613,224 alleles (0.000062%); highest among the groups gnomAD compares: African/African-American, 0.0013%; no homozygotes.

Submission:

Ambry Genetics
Classification: Uncertain significance. Last evaluated: 2025-07-20. Review status: criteria provided, single submitter. Criteria: Ambry Variant Classification Scheme 2023. Collection method: clinical testing. Allele origin: germline.
Comment: The p.N389D variant (also known as c.1165A>G), located in coding exon 1 of the MLH3 gene, results from an A to G substitution at nucleotide position 1165. The asparagine at codon 389 is replaced by aspartic acid, an amino acid with highly similar properties. This amino acid position is conserved. In addition, this alteration is predicted to be tolerated by in silico analysis. Based on the available evidence, the clinical significance of this variant remains unclear.

NM_001040108.2(MLH3):c.1165A>G (p.Asn389Asp)

Gene: MLH3 (mutL homolog 3; minus strand). Cytogenetic location: 14q24.3.
Variant type: single nucleotide variant.
Coding change: c.1165A>G on transcript NM_001040108.2 (MANE Select); coding-DNA position 1165, A replaced by G.
Protein change: p.Asn389Asp; replaces asparagine 389 with aspartic acid.
Molecular consequence: missense variant.
Genome position (GRCh38, 1-based): chr14:75,048,491, T>C on the plus strand (A>G on the coding strand, the complement: MLH3 is on the minus strand). VCF-style: chr14-75048491-T-C. GRCh37 (hg19) VCF-style: chr14-75515194-T-C.
Other names: c.1165A>G, p.Asn389Asp (NM_014381.3); short protein forms N389D.
Identifiers: ClinVar variation 4108645 (VCV004108645.1).